The following is an entry in ClinVar:

ClinVar aggregate classification (germline): Likely pathogenic (1 of 4 stars; one submission).

Submissions (2):

Labcorp Genetics (formerly Invitae), Labcorp
Classification: Likely pathogenic. Last evaluated: 2024-06-23. Review status: criteria provided, single submitter. Criteria: Invitae Variant Classification Sherloc (09022015). Collection method: clinical testing. Allele origin: germline.
Comment: This sequence change replaces glycine, which is neutral and non-polar, with valine, which is neutral and non-polar, at codon 840 of the COL4A5 protein (p.Gly840Val). This variant is not present in population databases (gnomAD no frequency). This missense change has been observed in individual(s) with Alport syndrome (Invitae). Advanced modeling of protein sequence and biophysical properties (such as structural, functional, and spatial information, amino acid conservation, physicochemical variation, residue mobility, and thermodynamic stability) performed at Invitae indicates that this missense variant is expected to disrupt COL4A5 protein function with a positive predictive value of 95%. Algorithms developed to predict the effect of sequence changes on RNA splicing suggest that this variant may create or strengthen a splice site. This variant disrupts the triple helix domain of COL4A5. Glycine residues within the Gly-Xaa-Yaa repeats of the triple helix domain are required for the structure and stability of fibrillar collagens (PMID: 7695699, 8218237, 19344236). In COL4A5, missense variants at these glycine residues are significantly enriched in individuals with disease (PMID: 23720012, 27627812) compared to the general population (ExAC). This variant disrupts the p.Gly840 amino acid residue in COL4A5. Other variant(s) that disrupt this residue have been observed in individuals with COL4A5-related conditions (PMID: 25876686), which suggests that this may be a clinically significant amino acid residue. In summary, the currently available evidence indicates that the variant is pathogenic, but additional data are needed to prove that conclusively. Therefore, this variant has been classified as Likely Pathogenic.

Dr. Peter K. Rogan Lab, Western University
No classification provided (evidence only). Condition: Thyroid cancer, nonmedullary, 1. Review status: no classification provided. Collection method: in vitro. Allele origin: not applicable. Functional consequence: retained intron. Not counted in ClinVar's aggregate classification.

Literature cited by the submitters: PubMed 7695699 (cited by Labcorp Genetics (formerly Invitae), Labcorp); PubMed 8218237 (cited by Labcorp Genetics (formerly Invitae), Labcorp); PubMed 19344236 (cited by Labcorp Genetics (formerly Invitae), Labcorp); PubMed 23720012 (cited by Labcorp Genetics (formerly Invitae), Labcorp); PubMed 27627812 (cited by Labcorp Genetics (formerly Invitae), Labcorp); PubMed 25876686 (cited by Labcorp Genetics (formerly Invitae), Labcorp).

NM_033380.3(COL4A5):c.2519G>T (p.Gly840Val)

Gene: COL4A5 (collagen type IV alpha 5 chain; plus strand). Cytogenetic location: Xq22.3.
Variant type: single nucleotide variant.
Coding change: c.2519G>T on transcript NM_033380.3 (MANE Select); coding-DNA position 2519, G replaced by T.
Protein change: p.Gly840Val; replaces glycine 840 with valine.
Molecular consequence: missense variant.
Genome position (GRCh38, 1-based): chrX:108,620,268, G>T. VCF-style: chrX-108620268-G-T. GRCh37 (hg19) VCF-style: chrX-107863498-G-T.
Other names: c.2519G>T, p.Gly840Val (NM_000495.5); short protein forms G840V.
Identifiers: ClinVar variation 3636325 (VCV003636325.3).